The following is an entry in ClinVar:

ClinVar aggregate classification (germline): Uncertain significance. Review status: criteria provided, multiple submitters, no conflicts (2 of 4 stars). 3 submissions from 3 submitters: Uncertain significance (2). 1 of the submissions does not count toward it. Last evaluated 2025-05-05.

Conditions:
MAGEL2-related disorder. Also called: MAGEL2-related condition.

Submissions (3):

Labcorp Genetics (formerly Invitae), Labcorp
Classification: Uncertain significance. Last evaluated: 2025-05-05. Review status: criteria provided, single submitter. Criteria: Invitae Variant Classification Sherloc (09022015). Collection method: clinical testing. Allele origin: germline.
Comment: This variant, c.1574_1594dup, results in the insertion of 7 amino acid(s) of the MAGEL2 protein (p.Gln525_Leu531dup), but otherwise preserves the integrity of the reading frame. This variant is present in population databases (no rsID available, gnomAD 0.007%). This variant has not been reported in the literature in individuals affected with MAGEL2-related conditions. ClinVar contains an entry for this variant (Variation ID: 1309980). In summary, the available evidence is currently insufficient to determine the role of this variant in disease. Therefore, it has been classified as a Variant of Uncertain Significance.

GeneDx
Classification: Uncertain significance. Last evaluated: 2021-01-25. Review status: criteria provided, single submitter. Criteria: GeneDx Variant Classification Process June 2021. Collection method: clinical testing. Allele origin: germline. Affected: yes.
Comment: In-frame duplication of 7 amino acids in a non-repeat region; In silico analysis supports that this variant does not alter protein structure/function; Has not been previously published as pathogenic or benign to our knowledge

PreventionGenetics, part of Exact Sciences
Classification: Uncertain significance for MAGEL2-related condition. Last evaluated: 2023-12-07. Review status: no assertion criteria provided. Collection method: clinical testing. Allele origin: germline. Not counted in ClinVar's aggregate classification.
Comment: The MAGEL2 c.1574_1594dup21 variant is predicted to result in an in-frame duplication (p.Gln525_Leu531dup). To our knowledge, this variant has not been reported in the literature. This variant is reported in 0.0066% of alleles in individuals of European (Non-Finnish) descent in gnomAD. At this time, the clinical significance of this variant is uncertain due to the absence of conclusive functional and genetic evidence.

NM_019066.5(MAGEL2):c.1574_1594dup (p.Gln525_Leu531dup)

Gene: MAGEL2 (MAGE family member L2; minus strand). Cytogenetic location: 15q11.2.
Variant type: Duplication.
Coding change: c.1574_1594dup on transcript NM_019066.5 (MANE Select); coding-DNA positions 1574 to 1594, 21 bases duplicated (AGGCCCCGCAGGCTAGGCTGC).
Protein change: p.Gln525_Leu531dup.
Molecular consequence: inframe insertion.
Genome position (GRCh38, 1-based): chr15:23,646,149-23,646,169, GCAGCCTAGCCTGCGGGGCCT duplicated on the plus strand (AGGCCCCGCAGGCTAGGCTGC on the coding strand, the reverse complement: MAGEL2 is on the minus strand); duplicating any 21 consecutive bases within chr15:23,646,149-23,646,171 gives the same sequence; the c. name uses the placement nearest the transcript's 3' end. VCF-style (leftmost placement, unchanged base first): chr15-23646148-G-GGCAGCCTAGCCTGCGGGGCCT. GRCh37 (hg19) VCF-style: chr15-23891295-G-GGCAGCCTAGCCTGCGGGGCCT.
Other names: c.1574_1594dup21 (NM_019066.4).
Identifiers: ClinVar variation 1309980 (VCV001309980.7), dbSNP rs1566784552, ClinGen allele CA617084188.